The following is an entry in ClinVar:

ClinVar aggregate classification (germline): Conflicting classifications of pathogenicity. Review status: criteria provided, conflicting classifications (1 of 4 stars). 21 submissions from 17 submitters: Uncertain significance (6); Benign (2); Likely benign (7). 6 of the submissions do not count toward it. Last evaluated 2026-01-26.

Conditions:
Cardiovascular phenotype. Identifiers: MedGen CN230736.
TTN-related disorder. Also called: TTN-related condition; TTN-related disease; TTN-related disorders.
Dilated cardiomyopathy 1G (CMD1G). Identifiers: Orphanet 154, MedGen C1858763, MONDO:0011400, OMIM 604145.
Autosomal recessive limb-girdle muscular dystrophy type 2J (LGMDR10). Also called: Limb-girdle muscular dystrophy, type 2J; MUSCULAR DYSTROPHY, LIMB-GIRDLE, AUTOSOMAL RECESSIVE 10. Identifiers: Orphanet 140922, MedGen C1837342, MONDO:0012127, OMIM 608807.
Early-onset myopathy with fatal cardiomyopathy (CMYO5). Also called: Salih Myopathy; CONGENITAL MYOPATHY 5 WITH CARDIOMYOPATHY. Identifiers: Orphanet 289377, MedGen C2673677, MONDO:0012714, OMIM 611705. Disease mechanism: loss of function.
Tibial muscular dystrophy (TMD). Also called: Udd Distal Myopathy – Tibial Muscular Dystrophy; UDD MYOPATHY; Tibial muscular dystrophy, tardive. Identifiers: Orphanet 609, MedGen C1838244, MONDO:0010870, OMIM 600334.
Myopathy, myofibrillar, 9, with early respiratory failure (MFM9). Also called: MYOPATHY, PROXIMAL, WITH EARLY RESPIRATORY MUSCLE INVOLVEMENT; Hereditary myopathy with early respiratory failure; Myopathy, distal, with early respiratory failure, autosomal dominant; EDSTROM MYOPATHY. Identifiers: Orphanet 34521, MedGen C1863599, MONDO:0011362, OMIM 603689, Orphanet 178464.

Allele frequency attached by ClinVar (database versions not stated): ESP Exome Variant Server 0.00008; ExAC 0.00017; gnomAD 0.00017; TOPMed 0.00019.
gnomAD v4.1: 419 of 1,614,210 alleles (0.026%); highest among the groups gnomAD compares: Non-Finnish European, 0.032%; no homozygotes.

Submissions (21):

Labcorp Genetics (formerly Invitae), Labcorp
Classification: Likely benign for Dilated cardiomyopathy 1G; Autosomal recessive limb-girdle muscular dystrophy type 2J. Last evaluated: 2026-01-26. Review status: criteria provided, single submitter. Criteria: Invitae Variant Classification Sherloc (09022015). Collection method: clinical testing. Allele origin: germline.

Molecular Diagnostic Laboratory for Inherited Cardiovascular Disease, Montreal Heart Institute
Classification: Likely benign. Last evaluated: 2025-04-09. Review status: criteria provided, single submitter. Criteria: ACMG Guidelines, 2015. Collection method: clinical testing. Allele origin: germline. Affected: no.
Comment: BP6;BP7

Blueprint Genetics
Classification: Likely benign. Last evaluated: 2023-11-14. Review status: criteria provided, single submitter. Criteria: ACMG Guidelines, 2015. Collection method: clinical testing. Allele origin: germline.

Revvity Omics, Revvity
Classification: Likely benign. Last evaluated: 2023-08-22. Review status: criteria provided, single submitter. Criteria: ACMG Guidelines, 2015. Collection method: clinical testing. Allele origin: germline.

Women's Health and Genetics/Laboratory Corporation of America, LabCorp
Classification: Likely benign. Last evaluated: 2022-05-02. Review status: criteria provided, single submitter. Criteria: LabCorp Variant Classification Summary - May 2015. Collection method: clinical testing. Allele origin: germline.

Ambry Genetics
Classification: Benign for Cardiovascular phenotype. Last evaluated: 2021-02-02. Review status: criteria provided, single submitter. Criteria: Ambry Variant Classification Scheme 2023. Collection method: clinical testing. Allele origin: germline.

Athena Diagnostics
Classification: Likely benign. Last evaluated: 2019-08-14. Review status: criteria provided, single submitter. Criteria: Athena Diagnostics Criteria. Collection method: clinical testing. Allele origin: germline.

Illumina Laboratory Services, Illumina
Classification: Uncertain significance for Autosomal recessive limb-girdle muscular dystrophy type 2J. Last evaluated: 2018-01-15. Review status: criteria provided, single submitter. Criteria: ICSL Variant Classification Criteria 13 December 2019. Collection method: clinical testing. Allele origin: germline.

Illumina Laboratory Services, Illumina
Classification: Uncertain significance for Myopathy, myofibrillar, 9, with early respiratory failure. Last evaluated: 2018-01-15. Review status: criteria provided, single submitter. Criteria: ICSL Variant Classification Criteria 13 December 2019. Collection method: clinical testing. Allele origin: germline.

Illumina Laboratory Services, Illumina
Classification: Uncertain significance for Tibial muscular dystrophy. Last evaluated: 2018-01-15. Review status: criteria provided, single submitter. Criteria: ICSL Variant Classification Criteria 13 December 2019. Collection method: clinical testing. Allele origin: germline.

Illumina Laboratory Services, Illumina
Classification: Uncertain significance for Early-onset myopathy with fatal cardiomyopathy. Last evaluated: 2018-01-15. Review status: criteria provided, single submitter. Criteria: ICSL Variant Classification Criteria 13 December 2019. Collection method: clinical testing. Allele origin: germline.

Illumina Laboratory Services, Illumina
Classification: Uncertain significance for Dilated cardiomyopathy 1G. Last evaluated: 2018-01-15. Review status: criteria provided, single submitter. Criteria: ICSL Variant Classification Criteria 13 December 2019. Collection method: clinical testing. Allele origin: germline.

Laboratory for Molecular Medicine, Mass General Brigham Personalized Medicine
Classification: Likely benign. Last evaluated: 2017-07-21. Review status: criteria provided, single submitter. Criteria: LMM Criteria. Collection method: clinical testing. Allele origin: germline. Observed: 2 variant alleles.
Comment: p.Phe229Phe in exon 6 of TTN: This variant is not expected to have clinical sign ificance because it does not alter an amino acid residue and is not located with in the splice consensus sequence. It has been identified in 49/276838 chromosome s by the Genome Aggregation Database (gnomAD; dbSNP rs376527094).

Eurofins Ntd Llc (ga)
Classification: Uncertain significance. Last evaluated: 2016-10-05. Review status: criteria provided, single submitter. Criteria: EGL Classification Definitions 2015. Collection method: clinical testing. Allele origin: germline. Observed: 7 variant alleles, 7 heterozygotes.

GeneDx
Classification: Benign. Last evaluated: 2014-10-02. Review status: criteria provided, single submitter. Criteria: GeneDx Variant Classification (06012015). Collection method: clinical testing. Allele origin: germline. Affected: yes.
Comment: This variant is considered likely benign or benign based on one or more of the following criteria: it is a conservative change, it occurs at a poorly conserved position in the protein, it is predicted to be benign by multiple in silico algorithms, and/or has population frequency not consistent with disease.

PreventionGenetics, part of Exact Sciences
Classification: Likely benign for TTN-related condition. Last evaluated: 2019-11-27. Review status: no assertion criteria provided. Collection method: clinical testing. Allele origin: germline. Not counted in ClinVar's aggregate classification.
Comment: This variant is classified as likely benign based on ACMG/AMP sequence variant interpretation guidelines (Richards et al. 2015 PMID: 25741868, with internal and published modifications).

Clinical Genetics DNA and cytogenetics Diagnostics Lab, Erasmus MC, Erasmus Medical Center
Classification: Likely benign. Review status: no assertion criteria provided. Collection method: clinical testing. Allele origin: germline. Affected: yes. Study: VKGL Data-share Consensus. Not counted in ClinVar's aggregate classification.

Diagnostic Laboratory, Department of Genetics, University Medical Center Groningen
Classification: Likely benign. Review status: no assertion criteria provided. Collection method: clinical testing. Allele origin: germline. Affected: yes. Study: VKGL Data-share Consensus. Not counted in ClinVar's aggregate classification.

Genome Diagnostics Laboratory, University Medical Center Utrecht
Classification: Likely benign. Review status: no assertion criteria provided. Collection method: clinical testing. Allele origin: germline. Affected: yes. Study: VKGL Data-share Consensus. Not counted in ClinVar's aggregate classification.

Joint Genome Diagnostic Labs from Nijmegen and Maastricht, Radboudumc and MUMC+
Classification: Likely benign. Review status: no assertion criteria provided. Collection method: clinical testing. Allele origin: germline. Affected: yes. Study: VKGL Data-share Consensus. Not counted in ClinVar's aggregate classification.

Laboratory of Diagnostic Genome Analysis, Leiden University Medical Center (LUMC)
Classification: Likely benign. Review status: no assertion criteria provided. Collection method: clinical testing. Allele origin: germline. Affected: yes. Study: VKGL Data-share Consensus. Not counted in ClinVar's aggregate classification.

NM_001267550.2(TTN):c.687T>C (p.Phe229=)

Gene: TTN (titin; minus strand). Cytogenetic location: 2q31.2.
Variant type: single nucleotide variant.
Coding change: c.687T>C on transcript NM_001267550.2 (MANE Select); coding-DNA position 687, T replaced by C.
Protein change: p.Phe229=; no amino-acid change (phenylalanine 229 retained).
Molecular consequence: synonymous variant.
Genome position (GRCh38, 1-based): chr2:178,799,714, A>G on the plus strand (T>C on the coding strand, the complement: TTN is on the minus strand). VCF-style: chr2-178799714-A-G. GRCh37 (hg19) VCF-style: chr2-179664441-A-G.
Other names: p.F229F:TTT>TTC; c.687T>C, p.Phe229= (NM_001256850.1, NM_133378.4, NM_003319.4 and 3 more transcripts).
Identifiers: ClinVar variation 178277 (VCV000178277.43), dbSNP rs376527094, ClinGen allele CA295779.